The following is an entry in ClinVar:

ClinVar aggregate classification (germline): Uncertain significance. Review status: criteria provided, multiple submitters, no conflicts (2 of 4 stars). 2 submissions from 2 submitters: Uncertain significance (2). Last evaluated 2025-03-04.

Conditions:
Neuroblastoma, susceptibility to, 3. Also called: ALK-Related Neuroblastic Tumor Susceptibility. Identifiers: Orphanet 635, MedGen C2751681, MONDO:0013083, OMIM 613014.
Hereditary cancer-predisposing syndrome. Also called: Hereditary neoplastic syndrome; Tumor predisposition; Hereditary Cancer Syndrome; Neoplastic Syndromes, Hereditary. Identifiers: Orphanet 140162, MedGen C0027672, MeSH D009386, MONDO:0015356.

Allele frequency attached by ClinVar (database versions not stated): gnomAD exomes below 0.00001 and 0.00001; ExAC 0.00001.
gnomAD v4.1: 7 of 1,614,082 alleles (0.00043%); highest among the groups gnomAD compares: South Asian, 0.0066%; no homozygotes.

Submissions (2):

Labcorp Genetics (formerly Invitae), Labcorp
Classification: Uncertain significance for Neuroblastoma, susceptibility to, 3. Last evaluated: 2025-03-04. Review status: criteria provided, single submitter. Criteria: Invitae Variant Classification Sherloc (09022015). Collection method: clinical testing. Allele origin: germline.
Comment: This sequence change replaces isoleucine, which is neutral and non-polar, with valine, which is neutral and non-polar, at codon 1183 of the ALK protein (p.Ile1183Val). This variant is present in population databases (rs770456378, gnomAD 0.01%). This variant has not been reported in the literature in individuals affected with ALK-related conditions. ClinVar contains an entry for this variant (Variation ID: 1420262). An algorithm developed to predict the effect of missense changes on protein structure and function (PolyPhen-2) suggests that this variant is likely to be tolerated. In summary, the available evidence is currently insufficient to determine the role of this variant in disease. Therefore, it has been classified as a Variant of Uncertain Significance.

Ambry Genetics
Classification: Uncertain significance for Hereditary cancer-predisposing syndrome. Last evaluated: 2023-06-30. Review status: criteria provided, single submitter. Criteria: Ambry Variant Classification Scheme 2023. Collection method: clinical testing. Allele origin: germline.
Comment: The p.I1183V variant (also known as c.3547A>G), located in coding exon 23 of the ALK gene, results from an A to G substitution at nucleotide position 3547. The isoleucine at codon 1183 is replaced by valine, an amino acid with highly similar properties. This amino acid position is conserved. In addition, the in silico prediction for this alteration is inconclusive. Since supporting evidence is limited at this time, the clinical significance of this alteration remains unclear.

NM_004304.5(ALK):c.3547A>G (p.Ile1183Val)

Gene: ALK (ALK receptor tyrosine kinase; minus strand). Cytogenetic location: 2p23.2.
Variant type: single nucleotide variant.
Coding change: c.3547A>G on transcript NM_004304.5 (MANE Select); coding-DNA position 3547, A replaced by G.
Protein change: p.Ile1183Val; replaces isoleucine 1183 with valine.
Molecular consequence: missense variant.
Genome position (GRCh38, 1-based): chr2:29,220,804, T>C on the plus strand (A>G on the coding strand, the complement: ALK is on the minus strand). VCF-style: chr2-29220804-T-C. GRCh37 (hg19) VCF-style: chr2-29443670-T-C.
Other names: c.3547A>G (NM_004304.4); c.343A>G, p.Ile115Val (NM_001353765.2); short protein forms I115V, I1183V.
Identifiers: ClinVar variation 1420262 (VCV001420262.7), dbSNP rs770456378, ClinGen allele CA1593865.